The following is an entry in ClinVar:

NM_001690.4(ATP6V1A):c.1810C>T (p.Leu604Phe)

Gene: ATP6V1A (ATPase H+ transporting V1 subunit A; plus strand). Cytogenetic location: 3q13.31.
Variant type: single nucleotide variant.
Coding change: c.1810C>T on transcript NM_001690.4 (MANE Select); coding-DNA position 1810, C replaced by T.
Protein change: p.Leu604Phe; replaces leucine 604 with phenylalanine.
Molecular consequence: missense variant.
Genome position (GRCh38, 1-based): chr3:113,809,383, C>T. VCF-style: chr3-113809383-C-T. GRCh37 (hg19) VCF-style: chr3-113528230-C-T.
Other names: short protein forms L604F.
Identifiers: ClinVar variation 3776441 (VCV003776441.1).
Genomic context (GRCh38, chr3:113,809,383, plus strand): 5'-GTCTTCTTTCAGGATCCACTGAAAGATGGTGAGGCAAAGATCAAAAGCGACTATGCACAA[C>T]TTCTTGAAGACATGCAGAATGCATTCCGTAGCCTTGAAGATTAGAAGCCTTGAAGATTAC-3'
Protein context (NP_001681.2, residues 594-614): EAKIKSDYAQ[Leu604Phe]LEDMQNAFRS

ClinVar aggregate classification (germline): Uncertain significance (1 of 4 stars; one submission).

Submission:

GeneDx
Classification: Uncertain significance. Last evaluated: 2024-10-02. Review status: criteria provided, single submitter. Criteria: GeneDx Variant Classification Process June 2021. Collection method: clinical testing. Allele origin: germline. Affected: yes.
Comment: Not observed at significant frequency in large population cohorts (gnomAD); In silico analysis supports that this missense variant has a deleterious effect on protein structure/function; Has not been previously published as pathogenic or benign to our knowledge